The following is an entry in ClinVar:

NM_000551.4(VHL):c.376_382delinsAA (p.Asp126fs)

Genes: VHL (von Hippel-Lindau tumor suppressor; plus strand), LOC107303340 (3p25 von Hippel-Lindau tumor suppressor, E3 ubiquitin protein ligase Alu-mediated recombination region; plus strand). Cytogenetic location: 3p25.3.
Variant type: Indel.
Coding change: c.376_382delinsAA on transcript NM_000551.4 (MANE Select); coding-DNA positions 376 to 382, GATGGGC replaced by AA.
Protein change: p.Asp126fs; shifts the reading frame from aspartic acid 126.
Molecular consequence: frameshift variant. On other transcripts: intron variant (2).
Genome position (GRCh38, 1-based): chr3:10,146,549-10,146,555, GATGGGC replaced by AA. VCF-style: chr3-10146549-GATGGGC-AA. GRCh37 (hg19) VCF-style: chr3-10188233-GATGGGC-AA.
Other names: c.*18-3238_*18-3232delinsAA (NM_001354723.2); c.341-3238_341-3232delinsAA (NM_198156.3); short protein forms D126fs.
Identifiers: ClinVar variation 972333 (VCV000972333.6), dbSNP rs1696262643, ClinGen allele CA1139655756.

ClinVar aggregate classification (germline): Pathogenic (1 of 4 stars; one submission).

Conditions:
Chuvash polycythemia. Also called: POLYCYTHEMIA, VHL-DEPENDENT. Identifiers: Orphanet 238557, MedGen C1837915, MONDO:0009892, OMIM 263400.
Von Hippel-Lindau syndrome (VHLS). Also called: von Hippel–Lindau syndrome; Von Hippel-Lindau; VHL syndrome. Identifiers: Orphanet 892, MedGen C0019562, MONDO:0008667, OMIM 193300. Disease mechanism: loss of function.

Submission:

Labcorp Genetics (formerly Invitae), Labcorp
Classification: Pathogenic for Von Hippel-Lindau syndrome; Chuvash polycythemia. Last evaluated: 2019-02-07. Review status: criteria provided, single submitter. Criteria: Invitae Variant Classification Sherloc (09022015). Collection method: clinical testing. Allele origin: germline.
Comment: This sequence change creates a premature translational stop signal (p.Asp126Asnfs*4) in the VHL gene. It is expected to result in an absent or disrupted protein product. For these reasons, this variant has been classified as Pathogenic. Loss-of-function variants in VHL are known to be pathogenic (PMID: 8956040, 12202531). This variant has not been reported in the literature in individuals with VHL-related conditions. This variant is not present in population databases (ExAC no frequency).

Literature cited by the submitters: PubMed 8956040; PubMed 12202531.